The following is an entry in ClinVar:

ClinVar aggregate classification (germline): Pathogenic (1 of 4 stars; one submission).

Submission:

Labcorp Genetics (formerly Invitae), Labcorp
Classification: Pathogenic. Last evaluated: 2022-08-23. Review status: criteria provided, single submitter. Criteria: Invitae Variant Classification Sherloc (09022015). Collection method: clinical testing. Allele origin: germline.
Comment: For these reasons, this variant has been classified as Pathogenic. This variant has not been reported in the literature in individuals affected with LAMB1-related conditions. This variant is a gross deletion of the genomic region encompassing exon(s) 14-15 of the LAMB1 gene. This deletion is out-of-frame, and is expected to create a premature termination codon and result in an absent or disrupted protein product. Loss-of-function variants in LAMB1 are known to be pathogenic (PMID: 23472759, 25925986).

Literature cited by the submitters: PubMed 23472759; PubMed 25925986.

NC_000007.13:g.(?_107603330)_(107605152_?)del

Gene: LAMB1 (laminin subunit beta 1; minus strand). Cytogenetic location: 7q31.1.
Variant type: Deletion.
Identifiers: ClinVar variation 2424386 (VCV002424386.4).